The following is an entry in ClinVar:

NM_018718.3(CEP41):c.184A>C (p.Lys62Gln)

Gene: CEP41 (centrosomal protein 41; minus strand). Cytogenetic location: 7q32.2.
Variant type: single nucleotide variant.
Coding change: c.184A>C on transcript NM_018718.3 (MANE Select); coding-DNA position 184, A replaced by C.
Protein change: p.Lys62Gln; replaces lysine 62 with glutamine.
Molecular consequence: missense variant. On other transcripts: non-coding transcript variant (1).
Genome position (GRCh38, 1-based): chr7:130,412,202, T>G on the plus strand (A>C on the coding strand, the complement: CEP41 is on the minus strand). VCF-style: chr7-130412202-T-G. GRCh37 (hg19) VCF-style: chr7-130052043-T-G.
Other names: c.184A>C, p.Lys62Gln (NM_001257158.2); c.136A>C, p.Lys46Gln (NM_001257159.2); short protein forms K46Q, K62Q.
Identifiers: ClinVar variation 2073493 (VCV002073493.4), dbSNP rs1554419898, ClinGen allele CA369290620.

ClinVar aggregate classification (germline): Uncertain significance (1 of 4 stars; one submission).

Conditions:
Joubert syndrome 15 (JBTS15). Identifiers: Orphanet 475, MedGen C3280897, MONDO:0013763, OMIM 614464.

gnomAD v4.1: 1 of 1,555,234 alleles (0.000064%); no homozygotes.

Submission:

Labcorp Genetics (formerly Invitae), Labcorp
Classification: Uncertain significance for Joubert syndrome 15. Last evaluated: 2022-07-19. Review status: criteria provided, single submitter. Criteria: Invitae Variant Classification Sherloc (09022015). Collection method: clinical testing. Allele origin: germline.
Comment: In summary, the available evidence is currently insufficient to determine the role of this variant in disease. Therefore, it has been classified as a Variant of Uncertain Significance. Algorithms developed to predict the effect of missense changes on protein structure and function (SIFT, PolyPhen-2, Align-GVGD) all suggest that this variant is likely to be disruptive. This variant has not been reported in the literature in individuals affected with CEP41-related conditions. This variant is present in population databases (no rsID available, gnomAD no frequency). This sequence change replaces lysine, which is basic and polar, with glutamine, which is neutral and polar, at codon 62 of the CEP41 protein (p.Lys62Gln).